The following is an entry in ClinVar:

NM_001852.4(COL9A2):c.320C>A (p.Pro107His)

Gene: COL9A2 (collagen type IX alpha 2 chain; minus strand). Cytogenetic location: 1p34.2.
Variant type: single nucleotide variant.
Coding change: c.320C>A on transcript NM_001852.4 (MANE Select); coding-DNA position 320, C replaced by A.
Protein change: p.Pro107His; replaces proline 107 with histidine.
Molecular consequence: missense variant.
Genome position (GRCh38, 1-based): chr1:40,312,593, G>T on the plus strand (C>A on the coding strand, the complement: COL9A2 is on the minus strand). VCF-style: chr1-40312593-G-T. GRCh37 (hg19) VCF-style: chr1-40778265-G-T.
Other names: short protein forms P107H.
Identifiers: ClinVar variation 1965138 (VCV001965138.5), dbSNP rs1644148660, ClinGen allele CA339857200.

ClinVar aggregate classification (germline): Uncertain significance (1 of 4 stars; one submission).

Allele frequency attached by ClinVar (database versions not stated): gnomAD exomes below 0.00001; TOPMed below 0.00001; gnomAD 0.00001.
gnomAD v4.1: 3 of 1,613,950 alleles (0.00019%); highest among the groups gnomAD compares: Admixed American, 0.0033%; no homozygotes.

Submission:

Labcorp Genetics (formerly Invitae), Labcorp
Classification: Uncertain significance. Last evaluated: 2022-01-06. Review status: criteria provided, single submitter. Criteria: Invitae Variant Classification Sherloc (09022015). Collection method: clinical testing. Allele origin: germline.
Comment: In summary, the available evidence is currently insufficient to determine the role of this variant in disease. Therefore, it has been classified as a Variant of Uncertain Significance. Algorithms developed to predict the effect of missense changes on protein structure and function are either unavailable or do not agree on the potential impact of this missense change (SIFT: "Deleterious"; PolyPhen-2: "Not Available"; Align-GVGD: "Class C0"). This variant has not been reported in the literature in individuals affected with COL9A2-related conditions. This variant is not present in population databases (gnomAD no frequency). This sequence change replaces proline, which is neutral and non-polar, with histidine, which is basic and polar, at codon 107 of the COL9A2 protein (p.Pro107His).